The following is an entry in ClinVar:

NM_152564.5(VPS13B):c.4379C>T (p.Ser1460Phe)

Gene: VPS13B (vacuolar protein sorting 13 homolog B; plus strand). Cytogenetic location: 8q22.2.
Variant type: single nucleotide variant.
Coding change: c.4379C>T on transcript NM_152564.5 (MANE Select); coding-DNA position 4379, C replaced by T.
Protein change: p.Ser1460Phe; replaces serine 1460 with phenylalanine.
Molecular consequence: missense variant.
Genome position (GRCh38, 1-based): chr8:99,511,258, C>T. VCF-style: chr8-99511258-C-T. GRCh37 (hg19) VCF-style: chr8-100523486-C-T.
Other names: c.4454C>T, p.Ser1485Phe (NM_017890.5); c.4379C>T (NM_152564.4); short protein forms S1460F, S1485F.
Identifiers: ClinVar variation 1443632 (VCV001443632.8), dbSNP rs763285164, ClinGen allele CA4823532.

ClinVar aggregate classification (germline): Uncertain significance. Review status: criteria provided, multiple submitters, no conflicts (2 of 4 stars). 3 submissions from 3 submitters: Uncertain significance (3). Last evaluated 2025-01-18.

Conditions:
Inborn genetic diseases. Identifiers: MedGen C0950123, MeSH D030342.
Cohen syndrome (COH1). Also called: PEPPER SYNDROME; Cutis verticis gyrata, retinitis pigmentosa, and sensorineural deafness. Identifiers: Orphanet 193, MedGen C0265223, MONDO:0008999, OMIM 216550.
VPS13B-related disorder. Also called: VPS13B-related condition.

Allele frequency attached by ClinVar (database versions not stated): gnomAD exomes below 0.00001 and 0.00001; ExAC 0.00001; gnomAD 0.00001.
gnomAD v4.1: 7 of 1,613,958 alleles (0.00043%); highest among the groups gnomAD compares: African/African-American, 0.0067%; no homozygotes.

Submissions (3):

PreventionGenetics, part of Exact Sciences
Classification: Uncertain significance for VPS13B-related condition. Last evaluated: 2025-01-18. Review status: criteria provided, single submitter. Criteria: ACMG Guidelines, 2015. Collection method: clinical testing. Allele origin: germline.
Comment: The VPS13B c.4379C>T variant is predicted to result in the amino acid substitution p.Ser1460Phe. To our knowledge, this variant has not been reported in the literature. This variant is reported in 0.012% of alleles in individuals of African descent in gnomAD. At this time, the clinical significance of this variant is uncertain due to the absence of conclusive functional and genetic evidence.

Labcorp Genetics (formerly Invitae), Labcorp
Classification: Uncertain significance for Cohen syndrome. Last evaluated: 2021-09-24. Review status: criteria provided, single submitter. Criteria: Invitae Variant Classification Sherloc (09022015). Collection method: clinical testing. Allele origin: germline.
Comment: This sequence change replaces serine with phenylalanine at codon 1485 of the VPS13B protein (p.Ser1485Phe). The serine residue is moderately conserved and there is a large physicochemical difference between serine and phenylalanine. This variant is present in population databases (rs763285164, ExAC 0.01%). This variant has not been reported in the literature in individuals with VPS13B-related conditions. Algorithms developed to predict the effect of missense changes on protein structure and function are either unavailable or do not agree on the potential impact of this missense change (SIFT: "Not Available"; PolyPhen-2: "Probably Damaging"; Align-GVGD: "Not Available"). In summary, the available evidence is currently insufficient to determine the role of this variant in disease. Therefore, it has been classified as a Variant of Uncertain Significance.

Ambry Genetics
Classification: Uncertain significance for Inborn genetic diseases. Last evaluated: 2017-09-12. Review status: criteria provided, single submitter. Criteria: Ambry Variant Classification Scheme 2023. Collection method: clinical testing. Allele origin: germline.
Comment: The p.S1485F variant (also known as c.4454C>T), located in coding exon 28 of the VPS13B gene, results from a C to T substitution at nucleotide position 4454. The serine at codon 1485 is replaced by phenylalanine, an amino acid with highly dissimilar properties. This amino acid position is highly conserved in available vertebrate species. In addition, the in silico prediction for this alteration is inconclusive. Since supporting evidence is limited at this time, the clinical significance of this alteration remains unclear.